The following is an entry in ClinVar:

ClinVar aggregate classification (germline): Uncertain significance (1 of 4 stars; one submission).

Submission:

Ambry Genetics
Classification: Uncertain significance. Last evaluated: 2021-12-21. Review status: criteria provided, single submitter. Criteria: Ambry Variant Classification Scheme 2023. Collection method: clinical testing. Allele origin: germline.
Comment: The p.P3156S variant (also known as c.9466C>T), located in coding exon 68 of the PRKDC gene, results from a C to T substitution at nucleotide position 9466. The proline at codon 3156 is replaced by serine, an amino acid with similar properties. This amino acid position is conserved. In addition, this alteration is predicted to be tolerated by in silico analysis. Since supporting evidence is limited at this time, the clinical significance of this alteration remains unclear.

NM_006904.7(PRKDC):c.9466C>T (p.Pro3156Ser)

Gene: PRKDC (protein kinase, DNA-activated, catalytic subunit; minus strand). Cytogenetic location: 8q11.21.
Variant type: single nucleotide variant.
Coding change: c.9466C>T on transcript NM_006904.7 (MANE Select); coding-DNA position 9466, C replaced by T.
Protein change: p.Pro3156Ser; replaces proline 3156 with serine.
Molecular consequence: missense variant.
Genome position (GRCh38, 1-based): chr8:47,817,541, G>A on the plus strand (C>T on the coding strand, the complement: PRKDC is on the minus strand). VCF-style: chr8-47817541-G-A. GRCh37 (hg19) VCF-style: chr8-48730102-G-A.
Other names: c.9466C>T, p.Pro3156Ser (NM_001081640.2); short protein forms P3156S.
Identifiers: ClinVar variation 1767047 (VCV001767047.2), dbSNP rs2551864901, ClinGen allele CA371137265.
Genomic context (GRCh38, chr8:47,817,541, plus strand): 5'-TTGGGTCCATTTTAGCATCTGGATATCTGTTTGTCCAGGTGTTCAGAAGTCTCTTAAGGG[G>A]AACTTGAGATGATAAATTGCCTAAAAATAGTATTAGAGGGTGACTATACACACAGCTCAA-3'
Protein context (NP_008835.5, residues 3146-3166): SKQGNLSSQV[Pro3156Ser]LKRLLNTWTN